The following is an entry in ClinVar:

NM_005732.4(RAD50):c.886G>A (p.Val296Ile)

Gene: RAD50 (RAD50 double strand break repair protein; plus strand). Cytogenetic location: 5q31.1.
Variant type: single nucleotide variant.
Coding change: c.886G>A on transcript NM_005732.4 (MANE Select); coding-DNA position 886, G replaced by A.
Protein change: p.Val296Ile; replaces valine 296 with isoleucine.
Molecular consequence: missense variant.
Genome position (GRCh38, 1-based): chr5:132,587,924, G>A. VCF-style: chr5-132587924-G-A. GRCh37 (hg19) VCF-style: chr5-131923616-G-A.
Other names: short protein forms V296I.
Identifiers: ClinVar variation 229823 (VCV000229823.15), dbSNP rs876658219, ClinGen allele CA10578499.
Genomic context (GRCh38, chr5:132,587,924, plus strand): 5'-CAAAGTGATCATATTTTCTTATGTTTGTACATTAAAGCTTTTTATTTTGGTGTTACACAG[G>A]TTTTTCAAGGGACTGATGAGCAACTAAATGACTTATATCACAATCACCAGAGAACAGTAA-3'
Protein context (NP_005723.2, residues 286-306): NSELEEKMEK[Val296Ile]FQGTDEQLND

ClinVar aggregate classification (germline): Uncertain significance. Review status: criteria provided, multiple submitters, no conflicts (2 of 4 stars). 3 submissions from 3 submitters: Uncertain significance (3). Last evaluated 2023-11-21.

Conditions:
Hereditary cancer-predisposing syndrome. Also called: Hereditary neoplastic syndrome; Hereditary Cancer Syndrome; Neoplastic Syndromes, Hereditary; Tumor predisposition. Identifiers: Orphanet 140162, MedGen C0027672, MeSH D009386, MONDO:0015356.
Nijmegen breakage syndrome-like disorder (NBSLD). Also called: MICROCEPHALY AND SPONTANEOUS CHROMOSOME INSTABILITY WITHOUT IMMUNODEFICIENCY; NBS-LIKE DISORDER; RAD50 DEFICIENCY. Identifiers: Orphanet 240760, MedGen C2751318, MONDO:0013118, OMIM 613078.

Allele frequency attached by ClinVar (database versions not stated): gnomAD exomes 0.00001.
gnomAD v4.1: 9 of 1,612,602 alleles (0.00056%); highest among the groups gnomAD compares: Non-Finnish European, 0.00068%; no homozygotes.

Submissions (3):

Baylor Genetics
Classification: Uncertain significance for Nijmegen breakage syndrome-like disorder. Last evaluated: 2023-11-21. Review status: criteria provided, single submitter. Criteria: ACMG Guidelines, 2015. Collection method: clinical testing. Allele origin: unknown.

Labcorp Genetics (formerly Invitae), Labcorp
Classification: Uncertain significance for Hereditary cancer-predisposing syndrome. Last evaluated: 2023-11-10. Review status: criteria provided, single submitter. Criteria: Invitae Variant Classification Sherloc (09022015). Collection method: clinical testing. Allele origin: germline.
Comment: This sequence change replaces valine, which is neutral and non-polar, with isoleucine, which is neutral and non-polar, at codon 296 of the RAD50 protein (p.Val296Ile). This variant is present in population databases (no rsID available, gnomAD 0.003%). This variant has not been reported in the literature in individuals affected with RAD50-related conditions. ClinVar contains an entry for this variant (Variation ID: 229823). An algorithm developed to predict the effect of missense changes on protein structure and function (PolyPhen-2) suggests that this variant is likely to be disruptive. In summary, the available evidence is currently insufficient to determine the role of this variant in disease. Therefore, it has been classified as a Variant of Uncertain Significance.

Ambry Genetics
Classification: Uncertain significance for Hereditary cancer-predisposing syndrome. Last evaluated: 2019-06-14. Review status: criteria provided, single submitter. Criteria: Ambry Variant Classification Scheme 2023. Collection method: clinical testing. Allele origin: germline.
Comment: The p.V296I variant (also known as c.886G>A) is located in coding exon 7 of the RAD50 gene. The valine at codon 296 is replaced by isoleucine, an amino acid with highly similar properties. This change occurs in the first base pair of coding exon 7. This amino acid position is highly conserved in available vertebrate species. Using the BDGP and ESEfinder splice site prediction tools, this alteration is predicted to weaken the efficiency of the native splice acceptor site; however, direct evidence is unavailable. In addition, this alteration is predicted to be tolerated by in silico analysis. Since supporting evidence is limited at this time, the clinical significance of this alteration remains unclear.